The following is an entry in ClinVar:

ClinVar aggregate classification (germline): Uncertain significance. Review status: criteria provided, multiple submitters, no conflicts (2 of 4 stars). 3 submissions from 3 submitters: Uncertain significance (2). 1 of the submissions does not count toward it. Last evaluated 2024-10-21.

Conditions:
Autosomal recessive limb-girdle muscular dystrophy type 2O. Also called: MUSCULAR DYSTROPHY-DYSTROGLYCANOPATHY (LIMB-GIRDLE), TYPE C, 3; MUSCULAR DYSTROPHY-DYSTROGLYCANOPATHY, LIMB-GIRDLE, POMGNT1-RELATED; Limb-Girdle Muscular Dystrophy Type 3C. Identifiers: Orphanet 206564, MedGen C3150417, MONDO:0013161, OMIM 613157.
Muscular dystrophy-dystroglycanopathy (congenital with impaired intellectual development), type B, 3. Also called: Muscular dystrophy-dystroglycanopathy (congenital with intellectual disability), type B3; MUSCULAR DYSTROPHY, CONGENITAL, POMGNT1-RELATED. Identifiers: MedGen C3150412, MONDO:0013155, OMIM 613151.
Muscle eye brain disease (MEB). Also called: Santavuori congenital muscular dystrophy. Identifiers: Orphanet 588, Orphanet 899, MedGen C0457133, MONDO:0018939.
Retinal dystrophy. Also called: Inherited retinal dystrophy. Identifiers: Orphanet 71862, MedGen C0854723, MeSH D058499, MONDO:0019118, HP:0000556.

Allele frequency attached by ClinVar (database versions not stated): TOPMed 0.00001; gnomAD exomes 0.00001; ExAC 0.00002.
gnomAD v4.1: 13 of 1,614,196 alleles (0.00081%); highest among the groups gnomAD compares: East Asian, 0.0089%; 1 homozygote.

Submissions (3):

Labcorp Genetics (formerly Invitae), Labcorp
Classification: Uncertain significance for Autosomal recessive limb-girdle muscular dystrophy type 2O; Muscular dystrophy-dystroglycanopathy (congenital with impaired intellectual development), type B, 3. Last evaluated: 2024-10-21. Review status: criteria provided, single submitter. Criteria: Invitae Variant Classification Sherloc (09022015). Collection method: clinical testing. Allele origin: germline.
Comment: This sequence change replaces arginine, which is basic and polar, with histidine, which is basic and polar, at codon 320 of the POMGNT1 protein (p.Arg320His). This variant is present in population databases (rs368653589, gnomAD 0.003%). This variant has not been reported in the literature in individuals affected with POMGNT1-related conditions. ClinVar contains an entry for this variant (Variation ID: 964120). Invitae Evidence Modeling of protein sequence and biophysical properties (such as structural, functional, and spatial information, amino acid conservation, physicochemical variation, residue mobility, and thermodynamic stability) has been performed for this missense variant. However, the output from this modeling did not meet the statistical confidence thresholds required to predict the impact of this variant on POMGNT1 protein function. In summary, the available evidence is currently insufficient to determine the role of this variant in disease. Therefore, it has been classified as a Variant of Uncertain Significance.

Dept Of Ophthalmology, Nagoya University
Classification: Uncertain significance for Retinal dystrophy. Last evaluated: 2023-10-01. Review status: criteria provided, single submitter. Criteria: Submitter's publication. Collection method: research. Allele origin: germline. Affected: yes.

Natera, Inc.
Classification: Uncertain significance for Muscle-eye-brain disease. Last evaluated: 2020-11-01. Review status: no assertion criteria provided. Collection method: clinical testing. Allele origin: germline. Not counted in ClinVar's aggregate classification.

NM_017739.4(POMGNT1):c.959G>A (p.Arg320His)

Genes: POMGNT1 (protein O-linked mannose N-acetylglucosaminyltransferase 1 (beta 1,2-); minus strand), TSPAN1 (tetraspanin 1; plus strand). Cytogenetic location: 1p34.1.
Variant type: single nucleotide variant.
Coding change: c.959G>A on transcript NM_017739.4 (MANE Select); coding-DNA position 959, G replaced by A.
Protein change: p.Arg320His; replaces arginine 320 with histidine.
Molecular consequence: missense variant.
Genome position (GRCh38, 1-based): chr1:46,193,631, C>T on the plus strand (G>A on the coding strand, the complement: POMGNT1 is on the minus strand). VCF-style: chr1-46193631-C-T. GRCh37 (hg19) VCF-style: chr1-46659303-C-T.
Other names: c.959G>A, p.Arg320His (NM_001243766.2, NM_001410783.1); c.893G>A, p.Arg298His (NM_001290129.3); c.530G>A, p.Arg177His (NM_001290130.2); short protein forms R177H, R298H, R320H.
Identifiers: ClinVar variation 964120 (VCV000964120.7), dbSNP rs368653589, ClinGen allele CA833546.